The following is an entry in ClinVar:

NM_198506.5(LRIT3):c.619T>G (p.Cys207Gly)

Gene: LRIT3 (leucine rich repeat, Ig-like and transmembrane domains 3; plus strand). Cytogenetic location: 4q25.
Variant type: single nucleotide variant.
Coding change: c.619T>G on transcript NM_198506.5 (MANE Select); coding-DNA position 619, T replaced by G.
Protein change: p.Cys207Gly; replaces cysteine 207 with glycine.
Molecular consequence: missense variant.
Genome position (GRCh38, 1-based): chr4:109,867,670, T>G. VCF-style: chr4-109867670-T-G. GRCh37 (hg19) VCF-style: chr4-110788826-T-G.
Other names: short protein forms C207G.
Identifiers: ClinVar variation 3659179 (VCV003659179.2).

ClinVar aggregate classification (germline): Uncertain significance (1 of 4 stars; one submission).

Submission:

Labcorp Genetics (formerly Invitae), Labcorp
Classification: Uncertain significance. Last evaluated: 2024-05-13. Review status: criteria provided, single submitter. Criteria: Invitae Variant Classification Sherloc (09022015). Collection method: clinical testing. Allele origin: germline.
Comment: This sequence change replaces cysteine, which is neutral and slightly polar, with glycine, which is neutral and non-polar, at codon 207 of the LRIT3 protein (p.Cys207Gly). This variant is not present in population databases (gnomAD no frequency). This variant has not been reported in the literature in individuals affected with LRIT3-related conditions. An algorithm developed to predict the effect of missense changes on protein structure and function (PolyPhen-2) suggests that this variant is likely to be disruptive. In summary, the available evidence is currently insufficient to determine the role of this variant in disease. Therefore, it has been classified as a Variant of Uncertain Significance.